The following is an entry in ClinVar:

NM_002204.4(ITGA3):c.2184C>T (p.His728=)

Gene: ITGA3 (integrin subunit alpha 3; plus strand). Cytogenetic location: 17q21.33.
Variant type: single nucleotide variant.
Coding change: c.2184C>T on transcript NM_002204.4 (MANE Select); coding-DNA position 2184, C replaced by T.
Protein change: p.His728=; no amino-acid change (histidine 728 retained).
Molecular consequence: synonymous variant.
Genome position (GRCh38, 1-based): chr17:50,078,090, C>T. VCF-style: chr17-50078090-C-T. GRCh37 (hg19) VCF-style: chr17-48155454-C-T.
Other names: c.2184C>T (NM_002204.3).
Identifiers: ClinVar variation 1547022 (VCV001547022.34), dbSNP rs146262123, ClinGen allele CA8641844.
Genomic context (GRCh38, chr17:50,078,090, plus strand): 5'-CTGACCCTTGTGGCAGATGGAGCTGCTCATCGCCTTTGAGGTCATCGGGGTGACCCTGCA[C>T]ACAAGGGACCTTCAGGTGCAGCTGCAGCTCTCCACGTGAGTGACCTCGAAAAGCCAGTCT-3'
Protein context (NP_002195.1, residues 718-738): IAFEVIGVTL[His728=]TRDLQVQLQL

ClinVar aggregate classification (germline): Benign/Likely benign. Review status: criteria provided, multiple submitters, no conflicts (2 of 4 stars). 5 submissions from 5 submitters: Benign (1); Likely benign (3). 1 of the submissions does not count toward it. Last evaluated 2025-08-30.

Conditions:
Epidermolysis bullosa, junctional 7, with interstitial lung disease and nephrotic syndrome. Also called: Interstitial Lung Disease with Nephrotic Syndrome and Epidermolysis Bullosa; Interstitial lung disease, nephrotic syndrome, and epidermolysis bullosa, congenital. Identifiers: Orphanet 306504, MedGen C4518785, MONDO:0013881, OMIM 614748.
ITGA3-related disorder. Also called: ITGA3-related condition.

Allele frequency attached by ClinVar (database versions not stated): gnomAD exomes 0.00006 and 0.00015; ExAC 0.00020; ESP Exome Variant Server 0.00023; 1000 Genomes Project 0.00060; 1000 Genomes Project 30x 0.00062; TOPMed 0.00063; gnomAD 0.00070 and 0.00075.
gnomAD v4.1: 193 of 1,613,868 alleles (0.012%); highest among the groups gnomAD compares: African/African-American, 0.24%; no homozygotes.

Submissions (5):

Labcorp Genetics (formerly Invitae), Labcorp
Classification: Benign. Last evaluated: 2025-08-30. Review status: criteria provided, single submitter. Criteria: Invitae Variant Classification Sherloc (09022015). Collection method: clinical testing. Allele origin: germline.

Blueprint Genetics
Classification: Likely benign. Last evaluated: 2024-02-16. Review status: criteria provided, single submitter. Criteria: ACMG Guidelines, 2015. Collection method: clinical testing. Allele origin: germline.

CeGaT Center for Human Genetics Tuebingen
Classification: Likely benign. Last evaluated: 2023-02-01. Review status: criteria provided, single submitter. Criteria: CeGaT Center For Human Genetics Tuebingen Variant Classification Criteria Version 2. Collection method: clinical testing. Allele origin: germline. Affected: yes. Observed: 1 variant allele.
Comment: ITGA3: BP4, BP7

Fulgent Genetics
Classification: Likely benign for Epidermolysis bullosa, junctional 7, with interstitial lung disease and nephrotic syndrome. Last evaluated: 2022-02-03. Review status: criteria provided, single submitter. Criteria: ACMG Guidelines, 2015. Collection method: clinical testing. Allele origin: unknown.

PreventionGenetics, part of Exact Sciences
Classification: Likely benign for ITGA3-related condition. Last evaluated: 2024-05-01. Review status: no assertion criteria provided. Collection method: clinical testing. Allele origin: germline. Not counted in ClinVar's aggregate classification.
Comment: This variant is classified as likely benign based on ACMG/AMP sequence variant interpretation guidelines (Richards et al. 2015 PMID: 25741868, with internal and published modifications).